The following is an entry in ClinVar:

ClinVar aggregate classification (germline): Uncertain significance. Review status: criteria provided, multiple submitters, no conflicts (2 of 4 stars). 3 submissions from 3 submitters: Uncertain significance (3). Last evaluated 2025-05-25.

Conditions:
Cardiovascular phenotype. Identifiers: MedGen CN230736.
Alstrom syndrome (ALMS). Identifiers: Orphanet 64, MedGen C0268425, MONDO:0008763, OMIM 203800.

Allele frequency attached by ClinVar (database versions not stated): ExAC 0.00003; ESP Exome Variant Server 0.00017.
gnomAD v4.1: 58 of 1,613,762 alleles (0.0036%); highest among the groups gnomAD compares: Non-Finnish European, 0.0043%; 1 homozygote.

Submissions (3):

Ambry Genetics
Classification: Uncertain significance for Cardiovascular phenotype. Last evaluated: 2025-05-25. Review status: criteria provided, single submitter. Criteria: Ambry Variant Classification Scheme 2023. Collection method: clinical testing. Allele origin: germline.
Comment: The p.P300L variant (also known as c.899C>T), located in coding exon 5 of the ALMS1 gene, results from a C to T substitution at nucleotide position 899. The proline at codon 300 is replaced by leucine, an amino acid with similar properties. This amino acid position is not well conserved in available vertebrate species. In addition, this alteration is predicted to be tolerated by in silico analysis. Based on the available evidence, the clinical significance of this variant remains unclear.

Labcorp Genetics (formerly Invitae), Labcorp
Classification: Uncertain significance for Alstrom syndrome. Last evaluated: 2022-09-06. Review status: criteria provided, single submitter. Criteria: Invitae Variant Classification Sherloc (09022015). Collection method: clinical testing. Allele origin: germline.
Comment: This sequence change replaces proline, which is neutral and non-polar, with leucine, which is neutral and non-polar, at codon 300 of the ALMS1 protein (p.Pro300Leu). This variant is present in population databases (rs199899389, gnomAD 0.009%). This variant has not been reported in the literature in individuals affected with ALMS1-related conditions. ClinVar contains an entry for this variant (Variation ID: 1347416). Experimental studies and prediction algorithms are not available or were not evaluated, and the functional significance of this variant is currently unknown. In summary, the available evidence is currently insufficient to determine the role of this variant in disease. Therefore, it has been classified as a Variant of Uncertain Significance.

Fulgent Genetics
Classification: Uncertain significance for Alstrom syndrome. Last evaluated: 2022-03-21. Review status: criteria provided, single submitter. Criteria: ACMG Guidelines, 2015. Collection method: clinical testing. Allele origin: unknown.

NM_001378454.1(ALMS1):c.896C>T (p.Pro299Leu)

Gene: ALMS1 (ALMS1 centrosome and basal body associated protein; plus strand). Cytogenetic location: 2p13.1.
Variant type: single nucleotide variant.
Coding change: c.896C>T on transcript NM_001378454.1 (MANE Select); coding-DNA position 896, C replaced by T.
Protein change: p.Pro299Leu; replaces proline 299 with leucine.
Molecular consequence: missense variant.
Genome position (GRCh38, 1-based): chr2:73,424,561, C>T. VCF-style: chr2-73424561-C-T. GRCh37 (hg19) VCF-style: chr2-73651689-C-T.
Other names: c.899C>T, p.Pro300Leu (NM_015120.4); short protein forms P299L, P300L.
Identifiers: ClinVar variation 1347416 (VCV001347416.6), dbSNP rs199899389, ClinGen allele CA1713008.